The following is an entry in ClinVar:

ClinVar aggregate classification (germline): Benign. Review status: criteria provided, multiple submitters, no conflicts (2 of 4 stars). 11 submissions from 11 submitters: Benign (10). 1 of the submissions does not count toward it. Last evaluated 2026-02-04.

Conditions:
Neuroblastoma, susceptibility to, 3. Also called: ALK-Related Neuroblastic Tumor Susceptibility. Identifiers: Orphanet 635, MedGen C2751681, MONDO:0013083, OMIM 613014.

Allele frequency attached by ClinVar (database versions not stated): 1000 Genomes Project 30x 0.17146; 1000 Genomes Project 0.17652; TOPMed 0.22121; gnomAD 0.24182 and 0.24571; ESP Exome Variant Server 0.26634; gnomAD exomes 0.28518 and 0.33197; ExAC 0.28956.
gnomAD v4.1: 521,065 of 1,613,208 alleles (32%); highest among the groups gnomAD compares: South Asian, 36%; 91,119 homozygotes.

Submissions (11):

Labcorp Genetics (formerly Invitae), Labcorp
Classification: Benign for Neuroblastoma, susceptibility to, 3. Last evaluated: 2026-02-04. Review status: criteria provided, single submitter. Criteria: Invitae Variant Classification Sherloc (09022015). Collection method: clinical testing. Allele origin: germline.

Blueprint Genetics
Classification: Benign. Last evaluated: 2024-11-26. Review status: criteria provided, single submitter. Criteria: ACMG Guidelines, 2015. Collection method: clinical testing. Allele origin: germline.

KCCC/NGS Laboratory, Kuwait Cancer Control Center
Classification: Benign for Neuroblastoma, susceptibility to, 3. Last evaluated: 2023-07-07. Review status: criteria provided, single submitter. Criteria: ACMG Guidelines, 2015. Collection method: clinical testing. Allele origin: germline. Affected: yes.

Mayo Clinic Laboratories, Mayo Clinic
Classification: Benign. Last evaluated: 2022-03-03. Review status: criteria provided, single submitter. Criteria: ACMG Guidelines, 2015. Collection method: clinical testing. Allele origin: germline. Observed: 140 variant alleles.

Illumina Laboratory Services, Illumina
Classification: Benign for Neuroblastoma, susceptibility to, 3. Last evaluated: 2018-01-13. Review status: criteria provided, single submitter. Criteria: ICSL Variant Classification Criteria 13 December 2019. Collection method: clinical testing. Allele origin: germline.
Comment: This variant was observed in the ICSL laboratory as part of a predisposition screen in an ostensibly healthy population. It had not been previously curated by ICSL or reported in the Human Gene Mutation Database (HGMD: prior to June 1st, 2018), and was therefore a candidate for classification through an automated scoring system. Utilizing variant allele frequency, disease prevalence and penetrance estimates, and inheritance mode, an automated score was calculated to assess if this variant is too frequent to cause the disease. Based on the score and internal cut-off values, a variant classified as benign is not then subjected to further curation. The score for this variant resulted in a classification of benign for this disease.

Women's Health and Genetics/Laboratory Corporation of America, LabCorp
Classification: Benign. Last evaluated: 2016-04-27. Review status: criteria provided, single submitter. Criteria: LabCorp Variant Classification Summary - May 2015. Collection method: clinical testing. Allele origin: germline.
Comment: Variant summary: The ALK c.3359+6C>T variant affects a non-conserved intronic nucleotide. Mutation Taster predicts the variant is a polymorphism, and 5/5 Alamut algorithms predict no significant changes to splicing. This variant was found in 35057/121070 control chromosomes (6051 homozygotes) at a frequency of 0.2895598, which is about 694943 times the maximal expected frequency of a pathogenic ALK allele (0.0000004), suggesting this variant is benign. Taken together, this variant was classified as benign.

GeneDx
Classification: Benign. Last evaluated: 2016-03-03. Review status: criteria provided, single submitter. Criteria: GeneDx Variant Classification (06012015). Collection method: clinical testing. Allele origin: germline. Affected: yes.
Comment: This variant is considered likely benign or benign based on one or more of the following criteria: it is a conservative change, it occurs at a poorly conserved position in the protein, it is predicted to be benign by multiple in silico algorithms, and/or has population frequency not consistent with disease.

Clinical Genetics DNA and cytogenetics Diagnostics Lab, Erasmus MC, Erasmus Medical Center
Classification: Benign for Neuroblastoma, susceptibility to, 3. Last evaluated: 2015-09-21. Review status: criteria provided, single submitter. Criteria: ACGS Guidelines, 2013. Collection method: clinical testing. Allele origin: germline. Affected: yes. Study: VKGL Data-share Consensus.

Breakthrough Genomics
Classification: Benign. Review status: criteria provided, single submitter. Criteria: ACMG Guidelines, 2015. Collection method: not provided. Allele origin: germline. Inheritance: Unknown mechanism. Affected: yes.

PreventionGenetics, part of Exact Sciences
Classification: Benign. Review status: criteria provided, single submitter. Criteria: ACMG Guidelines, 2015. Collection method: clinical testing. Allele origin: germline.

Diagnostic Laboratory, Department of Genetics, University Medical Center Groningen
Classification: Benign for Neuroblastoma, susceptibility to, 3. Review status: no assertion criteria provided. Collection method: clinical testing. Allele origin: germline. Affected: yes. Study: VKGL Data-share Consensus. Not counted in ClinVar's aggregate classification.

NM_004304.5(ALK):c.3359+6C>T

Gene: ALK (ALK receptor tyrosine kinase; minus strand). Cytogenetic location: 2p23.2.
Variant type: single nucleotide variant.
Coding change: c.3359+6C>T on transcript NM_004304.5 (MANE Select); 6 bases into the intron after coding-DNA position 3359, C replaced by T.
Molecular consequence: intron variant.
Genome position (GRCh38, 1-based): chr2:29,223,336, G>A on the plus strand (C>T on the coding strand, the complement: ALK is on the minus strand). VCF-style: chr2-29223336-G-A. GRCh37 (hg19) VCF-style: chr2-29446202-G-A.
Other names: p.?; c.155+6C>T (NM_001353765.2).
Identifiers: ClinVar variation 259271 (VCV000259271.19), dbSNP rs4622670, ClinGen allele CA1594000.